The following is an entry in ClinVar:

NM_000051.4(ATM):c.6596_6597del (p.Leu2198_Ser2199insTer)

Genes: ATM (ATM serine/threonine kinase; plus strand), C11orf65 (chromosome 11 open reading frame 65; minus strand). Cytogenetic location: 11q22.3.
Variant type: Microsatellite.
Coding change: c.6596_6597del on transcript NM_000051.4 (MANE Select); coding-DNA positions 6596 to 6597, 2 bases deleted (CT; older notation c.6596_6597delCT).
Protein change: p.Leu2198_Ser2199insTer.
Molecular consequence: nonsense. On other transcripts: frameshift variant (1), intron variant (2).
Genome position (GRCh38, 1-based): chr11:108,325,333-108,325,334, CT deleted; deleting any 2 consecutive bases within chr11:108,325,329-108,325,334 gives the same sequence; the c. name uses the placement nearest the transcript's 3' end. VCF-style (leftmost placement, unchanged base first): chr11-108325328-ACT-A. GRCh37 (hg19) VCF-style: chr11-108196055-ACT-A.
Other names: c.6596_6597delCT (NM_000051.3); c.6596_6597del, p.Leu2198_Ser2199insTer (NM_001351834.2); c.641-16263AG[2] (NM_001330368.2); c.*38+9886AG[2] (NM_001351110.2).
Identifiers: ClinVar variation 555424 (VCV000555424.26), dbSNP rs747057367, ClinGen allele CA6265989.
Genomic context (GRCh38, chr11:108,325,328, plus strand): 5'-TCATTTCTCTTGCTTACATGAACTCTATGTCGTGGCATTCAGATCAGTCACACATAGACA[ACT>A]CTCTGAAGTATATATTAAGTGGCAGAAACACTCCCAGCTTCTCAAGGACAGTGATTTTAG-3'

ClinVar aggregate classification (germline): Pathogenic. Review status: criteria provided, multiple submitters, no conflicts (2 of 4 stars). 5 submissions from 5 submitters: Pathogenic (3). 2 of the submissions do not count toward it. Last evaluated 2024-01-30.

Conditions:
Hereditary cancer-predisposing syndrome. Also called: Hereditary Cancer Syndrome; Neoplastic Syndromes, Hereditary; Tumor predisposition; Hereditary neoplastic syndrome. Identifiers: Orphanet 140162, MedGen C0027672, MeSH D009386, MONDO:0015356.
Gastric cancer. Also called: Stomach cancer; Malignant tumor of stomach. Identifiers: MedGen C0024623, MeSH D013274, MONDO:0001056, OMIM 613659, HP:0012126.
Ataxia-telangiectasia syndrome (AT). Also called: Cerebello-oculocutaneous telangiectasia; Immunodeficiency with ataxia telangiectasia; Ataxia-telangiectasia, complementation group E; Ataxia-telangiectasia, complementation group D; AT, COMPLEMENTATION GROUP C; ATAXIA-TELANGIECTASIA, COMPLEMENTATION GROUP A. Identifiers: Orphanet 100, MedGen C0004135, MONDO:0008840, OMIM 208900.
Familial cancer of breast. Also called: BREAST CANCER, FAMILIAL; Hereditary breast cancer; hereditary breast carcinoma. Identifiers: Orphanet 227535, MedGen C0346153, MONDO:0016419, OMIM 114480. Disease mechanism: loss of function.

Submissions (5):

Myriad Genetics, Inc.
Classification: Pathogenic for Familial cancer of breast. Last evaluated: 2024-01-30. Review status: criteria provided, single submitter. Criteria: Myriad Autosomal Dominant, Autosomal Recessive and X-Linked Classification Criteria (2023). Collection method: clinical testing. Allele origin: unknown.
Comment: This variant is considered pathogenic. This variant creates a termination codon and is predicted to result in premature protein truncation.

Ambry Genetics
Classification: Pathogenic for Hereditary cancer-predisposing syndrome. Last evaluated: 2023-10-26. Review status: criteria provided, single submitter. Criteria: Ambry Variant Classification Scheme 2023. Collection method: clinical testing. Allele origin: germline.
Comment: The c.6596_6597delCT pathogenic mutation, located in coding exon 45 of the ATM gene, results from a deletion of two nucleotides at nucleotide positions 6596 to 6597, causing a translational frameshift with a predicted alternate stop codon (p.S2199*). This variant has been identified in trans with a ATM likely pathogenic variant in an individual diagnosed with clinical features of Ataxia-Telangiectasia (Sun J et al. Clin Transl Immunology, 2020 May;9:e1138). In addition to the clinical data presented in the literature, this alteration is expected to result in loss of function by premature protein truncation or nonsense-mediated mRNA decay. As such, this alteration is interpreted as a disease-causing mutation.

Labcorp Genetics (formerly Invitae), Labcorp
Classification: Pathogenic for Ataxia-telangiectasia syndrome. Last evaluated: 2022-12-07. Review status: criteria provided, single submitter. Criteria: Invitae Variant Classification Sherloc (09022015). Collection method: clinical testing. Allele origin: germline.
Comment: ClinVar contains an entry for this variant (Variation ID: 555424). For these reasons, this variant has been classified as Pathogenic. This variant is also known as c.6592_6593delCT. This premature translational stop signal has been observed in individual(s) with developmental disorders (PMID: 32005694). This variant is present in population databases (rs747057367, gnomAD 0.01%). This sequence change creates a premature translational stop signal (p.Ser2199*) in the ATM gene. It is expected to result in an absent or disrupted protein product. Loss-of-function variants in ATM are known to be pathogenic (PMID: 23807571, 25614872).

Laboratory for Genotyping Development, RIKEN
Classification: Pathogenic for Gastric cancer. Last evaluated: 2021-07-01. Review status: no assertion criteria provided. Collection method: research. Allele origin: germline. Not counted in ClinVar's aggregate classification.

Counsyl
Classification: Likely pathogenic for Ataxia-telangiectasia syndrome. Last evaluated: 2017-12-05. Review status: no assertion criteria provided. Collection method: clinical testing. Allele origin: unknown. Not counted in ClinVar's aggregate classification.

Literature cited by the submitters: PubMed 32431812 (cited by Ambry Genetics); PubMed 32005694 (cited by Labcorp Genetics (formerly Invitae), Labcorp); PubMed 23807571 (cited by Labcorp Genetics (formerly Invitae), Labcorp); PubMed 25614872 (cited by Labcorp Genetics (formerly Invitae), Labcorp); PubMed 36988593 (cited by Laboratory for Genotyping Development, RIKEN).